The following is an entry in ClinVar:

ClinVar aggregate classification (germline): Uncertain significance (1 of 4 stars; one submission).

gnomAD v4.1: 2 of 1,612,750 alleles (0.00012%); highest among the groups gnomAD compares: Non-Finnish European, 0.00017%; no homozygotes.

Submission:

Labcorp Genetics (formerly Invitae), Labcorp
Classification: Uncertain significance. Last evaluated: 2025-05-01. Review status: criteria provided, single submitter. Criteria: Invitae Variant Classification Sherloc (09022015). Collection method: clinical testing. Allele origin: germline.
Comment: This sequence change replaces isoleucine, which is neutral and non-polar, with leucine, which is neutral and non-polar, at codon 611 of the ADGRA3 protein (p.Ile611Leu). This variant is not present in population databases (gnomAD no frequency). This variant has not been reported in the literature in individuals affected with ADGRA3-related conditions. An algorithm developed to predict the effect of missense changes on protein structure and function (PolyPhen-2) suggests that this variant is likely to be tolerated. In summary, the available evidence is currently insufficient to determine the role of this variant in disease. Therefore, it has been classified as a Variant of Uncertain Significance.

NM_145290.4(ADGRA3):c.1831A>C (p.Ile611Leu)

Gene: ADGRA3 (adhesion G protein-coupled receptor A3; minus strand). Cytogenetic location: 4p15.2.
Variant type: single nucleotide variant.
Coding change: c.1831A>C on transcript NM_145290.4 (MANE Select); coding-DNA position 1831, A replaced by C.
Protein change: p.Ile611Leu; replaces isoleucine 611 with leucine.
Molecular consequence: missense variant.
Genome position (GRCh38, 1-based): chr4:22,413,793, T>G on the plus strand (A>C on the coding strand, the complement: ADGRA3 is on the minus strand). VCF-style: chr4-22413793-T-G. GRCh37 (hg19) VCF-style: chr4-22415416-T-G.
Other names: short protein forms I611L.
Identifiers: ClinVar variation 4750409 (VCV004750409.1).
Genomic context (GRCh38, chr4:22,413,793, plus strand): 5'-CATCAGTTGGTCTGAGTTCTCTTTTTTGCTTTGGTGAGAAAAGGGAAGGAGGAAGCTGAA[T>G]AGAAGCCTCCACAATAGTATTCTGAAAAAATATATATACATAAAAAAAGCTCACTACATT-3'
Protein context (NP_660333.2, residues 601-621): ALKNTIVEAS[Ile611Leu]QLPPSLFSPK